The following is an entry in ClinVar:

NM_177550.5(SLC13A5):c.1022G>A (p.Trp341Ter)

Gene: SLC13A5 (solute carrier family 13 member 5; minus strand). Cytogenetic location: 17p13.1.
Variant type: single nucleotide variant.
Coding change: c.1022G>A on transcript NM_177550.5 (MANE Select); coding-DNA position 1022, G replaced by A.
Protein change: p.Trp341Ter; replaces tryptophan 341 with a stop codon.
Molecular consequence: nonsense.
Genome position (GRCh38, 1-based): chr17:6,695,759, C>T on the plus strand (G>A on the coding strand, the complement: SLC13A5 is on the minus strand). VCF-style: chr17-6695759-C-T. GRCh37 (hg19) VCF-style: chr17-6599078-C-T.
Other names: SLC13A5, TRP341TER (rs150203483); NM_177550.4(SLC13A5):c.1022G>A; p.Trp341Ter; c.1022G>A, p.Trp341Ter (NM_001143838.3); c.971G>A, p.Trp324Ter (NM_001284509.2); c.893G>A, p.Trp298Ter (NM_001284510.2); short protein forms W341*, W298*, W324*.
Identifiers: ClinVar variation 218171 (VCV000218171.18), dbSNP rs150203483, ClinGen allele CA210837.
Genomic context (GRCh38, chr17:6,695,759, plus strand): 5'-GCGATTTCTATTGAATCCAAGACTTACTTTGTCTCACCCTCCACCCAGGCAACAGTCAGC[C>T]AGCCGGGCATGAAGCCGGGGTCTCGGGAGAACCACAGGATGACCAGCAGGAAGAAGCAGA-3'

ClinVar aggregate classification (germline): Pathogenic/Likely pathogenic. Review status: criteria provided, multiple submitters, no conflicts (2 of 4 stars). 6 submissions from 6 submitters: Pathogenic (4); Likely pathogenic (1). 1 of the submissions does not count toward it. Last evaluated 2024-06-12.

Conditions:
SLC13A5-related disorder. Also called: SLC13A5-related condition.
Developmental and epileptic encephalopathy, 25 (DEE25). Also called: Epileptic encephalopathy, early infantile, 25; Developmental and epileptic encephalopathy 25, with amelogenesis imperfecta; Epileptic encephalopathy, early infantile, 25, with amelogenesis imperfecta. Identifiers: Orphanet 442835, MedGen C4014621, MONDO:0014392, OMIM 615905.

Allele frequency attached by ClinVar (database versions not stated): gnomAD 0.00001; ExAC 0.00002; gnomAD exomes 0.00002; TOPMed 0.00002; ESP Exome Variant Server 0.00008.
gnomAD v4.1: 23 of 1,614,042 alleles (0.0014%); highest among the groups gnomAD compares: Non-Finnish European, 0.0019%; no homozygotes.

Submissions (6):

Blueprint Genetics
Classification: Pathogenic for SLC13A5-related disorders. Last evaluated: 2024-06-12. Review status: criteria provided, single submitter. Criteria: ACMG Guidelines, 2015. Collection method: clinical testing. Allele origin: germline. Affected: yes. Observed: 5 variant alleles.

GeneDx
Classification: Pathogenic. Last evaluated: 2022-11-01. Review status: criteria provided, single submitter. Criteria: GeneDx Variant Classification Process June 2021. Collection method: clinical testing. Allele origin: germline. Affected: yes.
Comment: Published functional studies demonstrate a damaging effect (Hardies et al., 2015); Nonsense variant predicted to result in protein truncation or nonsense mediated decay in a gene for which loss-of-function is a known mechanism of disease; Not observed at significant frequency in large population cohorts (gnomAD); This variant is associated with the following publications: (PMID: 27261973, 26384929, 32551328, 24995870, 33063863)

Labcorp Genetics (formerly Invitae), Labcorp
Classification: Pathogenic for Developmental and epileptic encephalopathy, 25. Last evaluated: 2022-01-19. Review status: criteria provided, single submitter. Criteria: Invitae Variant Classification Sherloc (09022015). Collection method: clinical testing. Allele origin: germline.
Comment: This sequence change creates a premature translational stop signal (p.Trp341*) in the SLC13A5 gene. It is expected to result in an absent or disrupted protein product. Loss-of-function variants in SLC13A5 are known to be pathogenic (PMID: 24995870, 26384929). This variant is present in population databases (rs150203483, gnomAD 0.004%). This premature translational stop signal has been observed in individual(s) with early infantile epileptic encephalopathy (PMID: 26384929). In at least one individual the data is consistent with being in trans (on the opposite chromosome) from a pathogenic variant. It has also been observed to segregate with disease in related individuals. ClinVar contains an entry for this variant (Variation ID: 218171). Algorithms developed to predict the effect of sequence changes on RNA splicing suggest that this variant may create or strengthen a splice site. For these reasons, this variant has been classified as Pathogenic.

Broad Center for Mendelian Genomics, Broad Institute of MIT and Harvard
Classification: Likely pathogenic for Developmental and epileptic encephalopathy, 25. Last evaluated: 2021-11-02. Review status: criteria provided, single submitter. Criteria: ACMG Guidelines, 2015. Collection method: curation. Allele origin: germline. Inheritance: Autosomal recessive inheritance.
Comment: The p.Trp341Ter variant in SLC13A5 has been reported in 3 individuals with developmental and epileptic encephalopathy (PMID: 26384929, 32551328), segregated with disease in 1 affected relative from 1 family (PMID: 26384929), and has been identified in 0.004% (5/1134840) of European (Non-Finnish) chromosomes by the Genome Aggregation Database (gnomAD; dbSNP ID: rs150203483). Although this variant has been seen in the general population in a heterozygous state, its frequency is low enough to be consistent with a recessive carrier frequency. Of the 2 affected probands, 1 was a compound heterozygote that carried a variant of uncertain significance in trans which increases the likelihood that the p.Trp341Ter variant is pathogenic (Variation ID: 140752; PMID: 32551328, 26384929) This variant has also been reported in ClinVar (Variation ID#: 218171) and has been interpreted as pathogenic by Invitae and OMIM. In vitro functional studies provide some evidence that the p.Trp341Ter variant may slightly impact protein function (PMID: 26384929). However, these types of assays may not accurately represent biological function. This nonsense variant leads to a premature termination codon at position 341, which is predicted to lead to a truncated or absent protein. Loss of function of the SLC13A5 gene is strongly associated to autosomal recessive developmental and epileptic encephalopathy. In summary, although additional studies are required to fully establish its clinical significance, this variant is likely pathogenic for autosomal recessive developmental and epileptic encephalopathy. ACMG/AMP Criteria applied: PVS1_strong, PM2_supporting, PM3_supporting, PS3_supporting (Richards 2015).

Genome-Nilou Lab
Classification: Pathogenic for Developmental and epileptic encephalopathy, 25. Last evaluated: 2021-07-15. Review status: criteria provided, single submitter. Criteria: ACMG Guidelines, 2015. Collection method: clinical testing. Allele origin: germline. Affected: no.

OMIM
Classification: Pathogenic for DEVELOPMENTAL AND EPILEPTIC ENCEPHALOPATHY 25 WITH AMELOGENESIS IMPERFECTA. Last evaluated: 2015-11-01. Review status: no assertion criteria provided. Collection method: literature only. Allele origin: germline. Not counted in ClinVar's aggregate classification.

Literature cited by the submitters: PubMed 24995870 (cited by Labcorp Genetics (formerly Invitae), Labcorp); PubMed 26384929 (cited by 3 submitters).